The following is an entry in ClinVar:

ClinVar aggregate classification (germline): Uncertain significance. Review status: criteria provided, multiple submitters, no conflicts (2 of 4 stars). 2 submissions from 2 submitters: Uncertain significance (2). Last evaluated 2025-11-11.

Conditions:
Inborn genetic diseases. Identifiers: MedGen C0950123, MeSH D030342.

Allele frequency attached by ClinVar (database versions not stated): gnomAD exomes 0.00002; TOPMed 0.00003; ExAC 0.00004; gnomAD 0.00005 and 0.00006; 1000 Genomes Project 0.00020; ESP Exome Variant Server 0.00008; 1000 Genomes Project 30x 0.00016.
gnomAD v4.1: 18 of 1,569,756 alleles (0.0011%); highest among the groups gnomAD compares: African/African-American, 0.0095%; no homozygotes.

Submissions (2):

Ambry Genetics
Classification: Uncertain significance for Inborn genetic diseases. Last evaluated: 2025-11-11. Review status: criteria provided, single submitter. Criteria: Ambry Variant Classification Scheme 2023. Collection method: clinical testing. Allele origin: germline.

Labcorp Genetics (formerly Invitae), Labcorp
Classification: Uncertain significance. Last evaluated: 2022-08-15. Review status: criteria provided, single submitter. Criteria: Invitae Variant Classification Sherloc (09022015). Collection method: clinical testing. Allele origin: germline.
Comment: This sequence change replaces threonine, which is neutral and polar, with methionine, which is neutral and non-polar, at codon 1433 of the KIAA1549 protein (p.Thr1433Met). The frequency data for this variant in the population databases is considered unreliable, as metrics indicate poor data quality at this position in the gnomAD database. This variant has not been reported in the literature in individuals affected with KIAA1549-related conditions. ClinVar contains an entry for this variant (Variation ID: 1347144). Algorithms developed to predict the effect of missense changes on protein structure and function are either unavailable or do not agree on the potential impact of this missense change (SIFT: "Deleterious"; PolyPhen-2: "Benign"; Align-GVGD: "Class C0"). In summary, the available evidence is currently insufficient to determine the role of this variant in disease. Therefore, it has been classified as a Variant of Uncertain Significance.

NM_001164665.2(KIAA1549):c.4298C>T (p.Thr1433Met)

Gene: KIAA1549 (KIAA1549; minus strand). Cytogenetic location: 7q34.
Variant type: single nucleotide variant.
Coding change: c.4298C>T on transcript NM_001164665.2 (MANE Select); coding-DNA position 4298, C replaced by T.
Protein change: p.Thr1433Met; replaces threonine 1433 with methionine.
Molecular consequence: missense variant.
Genome position (GRCh38, 1-based): chr7:138,879,585, G>A on the plus strand (C>T on the coding strand, the complement: KIAA1549 is on the minus strand). VCF-style: chr7-138879585-G-A. GRCh37 (hg19) VCF-style: chr7-138564331-G-A.
Other names: c.4298C>T (NM_001164665.1); c.4298C>T, p.Thr1433Met (NM_020910.3); short protein forms T1433M.
Identifiers: ClinVar variation 1347144 (VCV001347144.7), dbSNP rs141076075, ClinGen allele CA4505952.